The following is an entry in ClinVar:

NM_001080477.4(TENM3):c.247C>G (p.Leu83Val)

Gene: TENM3 (teneurin transmembrane protein 3; plus strand). Cytogenetic location: 4q35.1.
Variant type: single nucleotide variant.
Coding change: c.247C>G on transcript NM_001080477.4 (MANE Select); coding-DNA position 247, C replaced by G.
Protein change: p.Leu83Val; replaces leucine 83 with valine.
Molecular consequence: missense variant. On other transcripts: intron variant (4).
Genome position (GRCh38, 1-based): chr4:182,346,665, C>G. VCF-style: chr4-182346665-C-G. GRCh37 (hg19) VCF-style: chr4-183267818-C-G.
Other names: c.247C>G, p.Leu83Val (NM_001415968.1, NM_001415969.1, NM_001415970.1 and 4 more transcripts); c.232+22413C>G (NM_001415976.1, NM_001415967.1, NM_001415977.1 and 1 more transcripts); c.247C>G (NM_001080477.3); short protein forms L83V.
Identifiers: ClinVar variation 3175894 (VCV003175894.3), dbSNP rs748767039, ClinGen allele CA3147362.

ClinVar aggregate classification (germline): Uncertain significance. Review status: criteria provided, multiple submitters, no conflicts (2 of 4 stars). 2 submissions from 2 submitters: Uncertain significance (2). Last evaluated 2025-03-27.

Conditions:
Inborn genetic diseases. Identifiers: MedGen C0950123, MeSH D030342.

Allele frequency attached by ClinVar (database versions not stated): gnomAD 0.00003; TOPMed 0.00004; ExAC 0.00003.
gnomAD v4.1: 27 of 1,613,458 alleles (0.0017%); highest among the groups gnomAD compares: Non-Finnish European, 0.0023%; no homozygotes.

Submissions (2):

Ambry Genetics
Classification: Uncertain significance for Inborn genetic diseases. Last evaluated: 2025-03-27. Review status: criteria provided, single submitter. Criteria: Ambry Variant Classification Scheme 2023. Collection method: clinical testing. Allele origin: germline.

GeneDx
Classification: Uncertain significance. Last evaluated: 2024-12-13. Review status: criteria provided, single submitter. Criteria: GeneDx Variant Classification Process June 2021. Collection method: clinical testing. Allele origin: germline. Affected: yes.
Comment: In silico analysis indicates that this missense variant does not alter protein structure/function; Has not been previously published as pathogenic or benign to our knowledge